The following is an entry in ClinVar:

ClinVar aggregate classification (germline): Uncertain significance (1 of 4 stars; one submission).

Conditions:
Cardiovascular phenotype. Identifiers: MedGen CN230736.

gnomAD v4.1: 1 of 1,614,164 alleles (0.000062%); highest among the groups gnomAD compares: South Asian, 0.0011%; no homozygotes.

Submission:

Ambry Genetics
Classification: Uncertain significance for Cardiovascular phenotype. Last evaluated: 2024-11-06. Review status: criteria provided, single submitter. Criteria: Ambry Variant Classification Scheme 2023. Collection method: clinical testing. Allele origin: germline.
Comment: The p.G46S variant (also known as c.136G>A), located in coding exon 2 of the SCN4B gene, results from a G to A substitution at nucleotide position 136. The glycine at codon 46 is replaced by serine, an amino acid with similar properties. This amino acid position is conserved. In addition, the in silico prediction for this alteration is inconclusive. Based on the available evidence, the clinical significance of this variant remains unclear.

NM_174934.4(SCN4B):c.136G>A (p.Gly46Ser)

Gene: SCN4B (sodium voltage-gated channel beta subunit 4; minus strand). Cytogenetic location: 11q23.3.
Variant type: single nucleotide variant.
Coding change: c.136G>A on transcript NM_174934.4 (MANE Select); coding-DNA position 136, G replaced by A.
Protein change: p.Gly46Ser; replaces glycine 46 with serine.
Molecular consequence: missense variant. On other transcripts: 5 prime UTR variant (1), non-coding transcript variant (1), intron variant (1).
Genome position (GRCh38, 1-based): chr11:118,145,155, C>T on the plus strand (G>A on the coding strand, the complement: SCN4B is on the minus strand). VCF-style: chr11-118145155-C-T. GRCh37 (hg19) VCF-style: chr11-118015870-C-T.
Other names: c.-195G>A (NM_001142349.2); c.62-3819G>A (NM_001142348.2); short protein forms G46S.
Identifiers: ClinVar variation 3438245 (VCV003438245.1).